The following is an entry in ClinVar:

NM_000368.5(TSC1):c.82G>C (p.Val28Leu)

Gene: TSC1 (TSC complex subunit 1; minus strand). Cytogenetic location: 9q34.13.
Variant type: single nucleotide variant.
Coding change: c.82G>C on transcript NM_000368.5 (MANE Select); coding-DNA position 82, G replaced by C.
Protein change: p.Val28Leu; replaces valine 28 with leucine.
Molecular consequence: missense variant. On other transcripts: 5 prime UTR variant (1).
Genome position (GRCh38, 1-based): chr9:132,928,791, C>G on the plus strand (G>C on the coding strand, the complement: TSC1 is on the minus strand). VCF-style: chr9-132928791-C-G. GRCh37 (hg19) VCF-style: chr9-135804178-C-G.
Other names: c.82G>C, p.Val28Leu (NM_001162426.2, NM_001162427.2); c.-178G>C (NM_001362177.2); short protein forms V28L.
Identifiers: ClinVar variation 643874 (VCV000643874.8), dbSNP rs1588363318, ClinGen allele CA375375307.

ClinVar aggregate classification (germline): Uncertain significance (1 of 4 stars; one submission).

Conditions:
Tuberous sclerosis 1 (TSC1). Identifiers: Orphanet 805, MedGen C1854465, MONDO:0008612, OMIM 191100.

Submission:

Labcorp Genetics (formerly Invitae), Labcorp
Classification: Uncertain significance for Tuberous sclerosis 1. Last evaluated: 2018-11-15. Review status: criteria provided, single submitter. Criteria: Invitae Variant Classification Sherloc (09022015). Collection method: clinical testing. Allele origin: germline.
Comment: In summary, the available evidence is currently insufficient to determine the role of this variant in disease. Therefore, it has been classified as a Variant of Uncertain Significance. Algorithms developed to predict the effect of missense changes on protein structure and function (SIFT, PolyPhen-2, Align-GVGD) all suggest that this variant is likely to be tolerated, but these predictions have not been confirmed by published functional studies and their clinical significance is uncertain. This variant has not been reported in the literature in individuals with TSC1-related disease. This variant is not present in population databases (ExAC no frequency). This sequence change replaces valine with leucine at codon 28 of the TSC1 protein (p.Val28Leu). The valine residue is weakly conserved and there is a small physicochemical difference between valine and leucine.